The following is an entry in ClinVar:

NM_001287491.2(TET3):c.4993A>G (p.Ile1665Val)

Gene: TET3 (tet methylcytosine dioxygenase 3; plus strand). Cytogenetic location: 2p13.1.
Variant type: single nucleotide variant.
Coding change: c.4993A>G on transcript NM_001287491.2 (MANE Select); coding-DNA position 4993, A replaced by G.
Protein change: p.Ile1665Val; replaces isoleucine 1665 with valine.
Molecular consequence: missense variant.
Genome position (GRCh38, 1-based): chr2:74,101,781, A>G. VCF-style: chr2-74101781-A-G. GRCh37 (hg19) VCF-style: chr2-74328908-A-G.
Other names: c.4714A>G, p.Ile1572Val (NM_001366022.1); short protein forms I1572V, I1665V.
Identifiers: ClinVar variation 5008611 (VCV005008611.1).

ClinVar aggregate classification (germline): Uncertain significance (1 of 4 stars; one submission).

Submission:

GeneDx
Classification: Uncertain significance. Last evaluated: 2026-02-13. Review status: criteria provided, single submitter. Criteria: GeneDx Variant Classification Process June 2021. Collection method: clinical testing. Allele origin: germline.
Comment: Not observed at significant frequency in large population cohorts (gnomAD); In silico analysis supports that this missense variant has a deleterious effect on protein structure/function; Has not been previously published as pathogenic or benign to our knowledge